The following is an entry in ClinVar:

ClinVar aggregate classification (germline): Uncertain significance (1 of 4 stars; one submission).

Allele frequency attached by ClinVar (database versions not stated): TOPMed 0.00001; ESP Exome Variant Server 0.00008; gnomAD 0.00001; gnomAD exomes below 0.00001; ExAC 0.00001.
gnomAD v4.1: 1 of 1,614,078 alleles (0.000062%); highest among the groups gnomAD compares: African/African-American, 0.0013%; no homozygotes.

Submission:

GeneDx
Classification: Uncertain significance. Last evaluated: 2023-06-07. Review status: criteria provided, single submitter. Criteria: GeneDx Variant Classification Process June 2021. Collection method: clinical testing. Allele origin: germline. Affected: yes.
Comment: Not observed at significant frequency in large population cohorts (gnomAD); In silico analysis supports that this missense variant has a deleterious effect on protein structure/function; Has not been previously published as pathogenic or benign to our knowledge

NM_014000.3(VCL):c.2539C>T (p.Pro847Ser)

Gene: VCL (vinculin; plus strand). Cytogenetic location: 10q22.2.
Variant type: single nucleotide variant.
Coding change: c.2539C>T on transcript NM_014000.3 (MANE Select); coding-DNA position 2539, C replaced by T.
Protein change: p.Pro847Ser; replaces proline 847 with serine.
Molecular consequence: missense variant.
Genome position (GRCh38, 1-based): chr10:74,107,334, C>T. VCF-style: chr10-74107334-C-T. GRCh37 (hg19) VCF-style: chr10-75867092-C-T.
Other names: c.2539C>T, p.Pro847Ser (NM_003373.4); short protein forms P847S.
Identifiers: ClinVar variation 451959 (VCV000451959.3), dbSNP rs372711612, ClinGen allele CA5563241.
Genomic context (GRCh38, chr10:74,107,334, plus strand): 5'-GCTGTGGCCAAGGTCAGAGAAGCCTTCCAACCTCAGGAGCCTGACTTCCCGCCGCCTCCA[C>T]CAGACCTTGAACAACTCCGAGTAAGTAAATTCAGATATGCAGAGAATTGAGCAGGAAGGT-3'
Protein context (NP_054706.1, residues 837-857): PQEPDFPPPP[Pro847Ser]DLEQLRLTDE